The following is an entry in ClinVar:

ClinVar aggregate classification (germline): Conflicting classifications of pathogenicity. Review status: criteria provided, conflicting classifications (1 of 4 stars). 2 submissions from 2 submitters: Uncertain significance (1); Likely benign (1). Last evaluated 2025-12-01.

Conditions:
Alport syndrome. Also called: Hemorrhagic familial nephritis; Hemorrhagic hereditary nephritis; Congenital hereditary hematuria. Identifiers: Orphanet 63, MedGen C1567741, MONDO:0018965.

Allele frequency attached by ClinVar (database versions not stated): ExAC 0.00002; gnomAD exomes 0.00003; TOPMed 0.00003; gnomAD 0.00006.
gnomAD v4.1: 50 of 1,612,312 alleles (0.0031%); highest among the groups gnomAD compares: South Asian, 0.018%; no homozygotes.

Submissions (2):

Labcorp Genetics (formerly Invitae), Labcorp
Classification: Likely benign. Last evaluated: 2025-12-01. Review status: criteria provided, single submitter. Criteria: Invitae Variant Classification Sherloc (09022015). Collection method: clinical testing. Allele origin: germline.

Victorian Clinical Genetics Services, Murdoch Childrens Research Institute
Classification: Uncertain significance for Alport syndrome. Last evaluated: 2020-06-11. Review status: criteria provided, single submitter. Criteria: ACMG Guidelines, 2015. Collection method: clinical testing. Allele origin: germline. Affected: yes.
Comment: Based on the classification scheme VCGS_Germline_v1.1.1, this variant is classified as 3C-VUS. Following criteria are met: 0102 - Loss-of-function is a known mechanism of disease for this gene. (N) 0104 - Dominant Negative is a mechanism of disease for this gene. (N) 0108 - This gene is known to be associated with both recessive and dominant disease (OMIM). (N) 0200 - Variant is predicted to result in a missense amino acid change from arginine to histidine (exon 19). (N) 0251 - Variant is heterozygous. (N) 0304 - Variant is present in gnomAD <0.01 for a recessive condition (7 heterozygotes, 0 homozygotes). (P) 0309 - An alternative amino acid change at the same position has been observed in gnomAD (2 heterozygotes, 0 homozygotes). (N) 0503 - Missense variant consistently predicted to be tolerated or not conserved in mammals with a minor amino acid change. (B) 0600 - Variant is located in an annotated domain or motif (collage triple helix domain, but affecting the Y of the G-X-Y repeats; PDB). (N) 0705 - No comparable variants have previous evidence for pathogenicity. (N) 0807 - Variant has not previously been reported in a relevant clinical context. This variant has been reported in a patient with unilateral microtia, the same patient also has another USH1C variant identified (PMID: 28968992). (N) 0905 - No segregation evidence has been identified for this variant. (N) 1007 - No published functional evidence has been identified for this variant. (N) 1208 - Inheritance information for this variant is not currently available. (N) Legend: (P) - Pathogenic, (N) - Neutral, (B) - Benign

Literature cited by the submitters: PubMed 28968992 (cited by Victorian Clinical Genetics Services, Murdoch Childrens Research Institute).

NM_000091.5(COL4A3):c.1103G>A (p.Arg368His)

Genes: COL4A3 (collagen type IV alpha 3 chain; plus strand), MFF-DT (MFF divergent transcript; minus strand). Cytogenetic location: 2q36.3.
Variant type: single nucleotide variant.
Coding change: c.1103G>A on transcript NM_000091.5 (MANE Select); coding-DNA position 1103, G replaced by A.
Protein change: p.Arg368His; replaces arginine 368 with histidine.
Molecular consequence: missense variant.
Genome position (GRCh38, 1-based): chr2:227,259,866, G>A. VCF-style: chr2-227259866-G-A. GRCh37 (hg19) VCF-style: chr2-228124582-G-A.
Other names: short protein forms R368H.
Identifiers: ClinVar variation 2160723 (VCV002160723.5), dbSNP rs748026747, ClinGen allele CA2146523.
Genomic context (GRCh38, chr2:227,259,866, plus strand): 5'-ACACATACCAGGAAAAGGGAGATGAAGGCACTCCAGGCCCACCAGGGCCCAGAGGAGCTC[G>A]TGGCCCACAAGGTAAGAATAAATTTCTTCCTAAAGCATTTGCTGAACATATTTCTGGCTT-3'
Protein context (NP_000082.2, residues 358-378): TPGPPGPRGA[Arg368His]GPQGPSGPPG